The following is an entry in ClinVar:

NM_003114.5(SPAG1):c.1307C>A (p.Pro436Gln)

Genes: SPAG1 (sperm associated antigen 1; plus strand), LOC130000832 (ATAC-STARR-seq lymphoblastoid silent region 19412; plus strand). Cytogenetic location: 8q22.2.
Variant type: single nucleotide variant.
Coding change: c.1307C>A on transcript NM_003114.5 (MANE Select); coding-DNA position 1307, C replaced by A.
Protein change: p.Pro436Gln; replaces proline 436 with glutamine.
Molecular consequence: missense variant.
Genome position (GRCh38, 1-based): chr8:100,213,300, C>A. VCF-style: chr8-100213300-C-A. GRCh37 (hg19) VCF-style: chr8-101225528-C-A.
Other names: c.1307C>A, p.Pro436Gln (NM_001374321.1, NM_172218.3); short protein forms P436Q.
Identifiers: ClinVar variation 569393 (VCV000569393.10), dbSNP rs761617724, ClinGen allele CA371809295.

ClinVar aggregate classification (germline): Uncertain significance. Review status: criteria provided, multiple submitters, no conflicts (2 of 4 stars). 3 submissions from 3 submitters: Uncertain significance (3). Last evaluated 2023-12-28.

Conditions:
Primary ciliary dyskinesia 28. Also called: CILIARY DYSKINESIA, PRIMARY, 28, WITH OR WITHOUT SITUS INVERSUS. Identifiers: Orphanet 244, MedGen C3809706, MONDO:0014216, OMIM 615505.
Primary ciliary dyskinesia. Also called: Ciliary dyskinesia. Identifiers: Orphanet 244, MedGen C0008780, MONDO:0016575, HP:0012265.

gnomAD v4.1: 5 of 1,232,076 alleles (0.00041%); highest among the groups gnomAD compares: Non-Finnish European, 0.00051%; no homozygotes.

Submissions (3):

Blueprint Genetics
Classification: Uncertain significance. Last evaluated: 2023-12-28. Review status: criteria provided, single submitter. Criteria: ACMG Guidelines, 2015. Collection method: clinical testing. Allele origin: germline.

Labcorp Genetics (formerly Invitae), Labcorp
Classification: Uncertain significance for Primary ciliary dyskinesia 28. Last evaluated: 2021-06-24. Review status: criteria provided, single submitter. Criteria: Invitae Variant Classification Sherloc (09022015). Collection method: clinical testing. Allele origin: germline.
Comment: In summary, this variant is a novel missense change that is not predicted to affect protein function. There is no indication that it causes disease, but the available evidence is currently insufficient to prove that conclusively. Therefore, it has been classified as a Variant of Uncertain Significance. Algorithms developed to predict the effect of missense changes on protein structure and function (SIFT, PolyPhen-2, Align-GVGD) all suggest that this variant is likely to be tolerated, but these predictions have not been confirmed by published functional studies. While this variant is not present in population databases, the frequency information is unreliable, as metrics indicate poor data quality at this position in the ExAC database. This variant has not been reported in the literature in an individual with a SPAG1-related disease. This sequence change replaces proline with glutamine at codon 436 of the SPAG1 protein (p.Pro436Gln). The proline residue is weakly conserved and there is a moderate physicochemical difference between proline and glutamine.

Ambry Genetics
Classification: Uncertain significance for Primary ciliary dyskinesia. Last evaluated: 2017-04-20. Review status: criteria provided, single submitter. Criteria: Ambry Variant Classification Scheme 2023. Collection method: clinical testing. Allele origin: germline.
Comment: The p.P436Q variant (also known as c.1307C>A), located in coding exon 10 of the SPAG1 gene, results from a C to A substitution at nucleotide position 1307. The proline at codon 436 is replaced by glutamine, an amino acid with similar properties. This amino acid position is not well conserved in available vertebrate species. In addition, this alteration is predicted to be tolerated by in silico analysis. Since supporting evidence is limited at this time, the clinical significance of this alteration remains unclear.